The following is an entry in ClinVar:

ClinVar aggregate classification (germline): Likely benign (0 of 4 stars; one submission).

Conditions:
PPP1R9A-related disorder. Also called: PPP1R9A-related condition.

Allele frequency attached by ClinVar (database versions not stated): gnomAD exomes 0.00006; 1000 Genomes Project 30x 0.00016; ExAC 0.00017; 1000 Genomes Project 0.00020; gnomAD 0.00064; TOPMed 0.00072; ESP Exome Variant Server 0.00100.
gnomAD v4.1: 189 of 1,614,128 alleles (0.012%); highest among the groups gnomAD compares: African/African-American, 0.23%; no homozygotes.

Submission:

PreventionGenetics, part of Exact Sciences
Classification: Likely benign for PPP1R9A-related condition. Last evaluated: 2019-06-04. Review status: no assertion criteria provided. Collection method: clinical testing. Allele origin: germline.
Comment: This variant is classified as likely benign based on ACMG/AMP sequence variant interpretation guidelines (Richards et al. 2015 PMID: 25741868, with internal and published modifications).

NM_001166160.2(PPP1R9A):c.1198G>A (p.Asp400Asn)

Gene: PPP1R9A (protein phosphatase 1 regulatory subunit 9A; plus strand). Cytogenetic location: 7q21.3.
Variant type: single nucleotide variant.
Coding change: c.1198G>A on transcript NM_001166160.2 (MANE Select); coding-DNA position 1198, G replaced by A.
Protein change: p.Asp400Asn; replaces aspartic acid 400 with asparagine.
Molecular consequence: missense variant.
Genome position (GRCh38, 1-based): chr7:94,911,311, G>A. VCF-style: chr7-94911311-G-A. GRCh37 (hg19) VCF-style: chr7-94540623-G-A.
Other names: c.1198G>A, p.Asp400Asn (NM_001166161.1, NM_001166162.1, NM_001166163.1 and 1 more transcripts); short protein forms D400N.
Identifiers: ClinVar variation 3044473 (VCV003044473.2), dbSNP rs147217597, ClinGen allele CA4349359.
Genomic context (GRCh38, chr7:94,911,311, plus strand): 5'-GGAAAAGAAGTACCTGAAGATTCAAATAATTTTGATGGTTCCCATGTGTACATGCACAGT[G>A]ACTATAATGTGTATAGGGTGAGATCCAGGTATAATTCAGACTGGGGAGAGACAGGCACTG-3'
Protein context (NP_001159632.1, residues 390-410): FDGSHVYMHS[Asp400Asn]YNVYRVRSRY